The following is an entry in ClinVar:

NM_004260.4(RECQL4):c.1072A>G (p.Met358Val)

Gene: RECQL4 (RecQ like helicase 4; minus strand). Cytogenetic location: 8q24.3.
Variant type: single nucleotide variant.
Coding change: c.1072A>G on transcript NM_004260.4 (MANE Select); coding-DNA position 1072, A replaced by G.
Protein change: p.Met358Val; replaces methionine 358 with valine.
Molecular consequence: missense variant.
Genome position (GRCh38, 1-based): chr8:144,516,047, T>C on the plus strand (A>G on the coding strand, the complement: RECQL4 is on the minus strand). VCF-style: chr8-144516047-T-C. GRCh37 (hg19) VCF-style: chr8-145741431-T-C.
Other names: short protein forms M358V.
Identifiers: ClinVar variation 135162 (VCV000135162.9), dbSNP rs371503929, ClinGen allele CA161882.

ClinVar aggregate classification (germline): Uncertain significance. Review status: criteria provided, multiple submitters, no conflicts (2 of 4 stars). 4 submissions from 4 submitters: Uncertain significance (3). 1 of the submissions does not count toward it. Last evaluated 2025-03-31.

Conditions:
Inborn genetic diseases. Identifiers: MedGen C0950123, MeSH D030342.
Hereditary cancer-predisposing syndrome. Also called: Tumor predisposition; Hereditary neoplastic syndrome; Neoplastic Syndromes, Hereditary; Hereditary Cancer Syndrome. Identifiers: Orphanet 140162, MedGen C0027672, MeSH D009386, MONDO:0015356.
Baller-Gerold syndrome (BGS). Also called: CRANIOSYNOSTOSIS WITH RADIAL DEFECTS. Identifiers: Orphanet 1225, MedGen C0265308, MONDO:0009039, OMIM 218600.

Allele frequency attached by ClinVar (database versions not stated): gnomAD 0.00001; gnomAD exomes 0.00001 and 0.00003; TOPMed 0.00002; ExAC 0.00003; ESP Exome Variant Server 0.00008.
gnomAD v4.1: 21 of 1,612,402 alleles (0.0013%); highest among the groups gnomAD compares: South Asian, 0.0099%; no homozygotes.

Submissions (4):

Ambry Genetics
Classification: Uncertain significance for Inborn genetic diseases. Last evaluated: 2025-03-31. Review status: criteria provided, single submitter. Criteria: Ambry Variant Classification Scheme 2023. Collection method: clinical testing. Allele origin: germline.

Labcorp Genetics (formerly Invitae), Labcorp
Classification: Uncertain significance for Baller-Gerold syndrome. Last evaluated: 2024-01-08. Review status: criteria provided, single submitter. Criteria: Invitae Variant Classification Sherloc (09022015). Collection method: clinical testing. Allele origin: germline.
Comment: This sequence change replaces methionine, which is neutral and non-polar, with valine, which is neutral and non-polar, at codon 358 of the RECQL4 protein (p.Met358Val). This variant is present in population databases (rs371503929, gnomAD 0.01%). This variant has not been reported in the literature in individuals affected with RECQL4-related conditions. ClinVar contains an entry for this variant (Variation ID: 135162). Advanced modeling of protein sequence and biophysical properties (such as structural, functional, and spatial information, amino acid conservation, physicochemical variation, residue mobility, and thermodynamic stability) performed at Invitae indicates that this missense variant is expected to disrupt RECQL4 protein function with a positive predictive value of 80%. In summary, the available evidence is currently insufficient to determine the role of this variant in disease. Therefore, it has been classified as a Variant of Uncertain Significance.

Sema4
Classification: Uncertain significance for Hereditary cancer-predisposing syndrome. Last evaluated: 2021-10-28. Review status: criteria provided, single submitter. Criteria: Sema4 Curation Guidelines. Collection method: curation. Allele origin: germline.
Comment: To the best of our knowledge, the RECQL4 c.1072A>G (p.M358V) variant has not been reported in individuals with RECQL4-related disease. This variant was observed in 4/30592 chromosomes in the South Asian population according to the Genome Aggregation Database (PMID: 32461654). This variant has been reported in ClinVar (Variation ID: 135162). Functional studies have not been performed, and in silico predictions of the variant's effect on protein function are inconclusive. The evidence is insufficient to meet ACMG/AMP criteria for classifying the variant as benign or pathogenic. Thus, the clinical significance of this variant is currently uncertain.

ITMI
No classification provided. Condition: AllHighlyPenetrant. Last evaluated: 2013-09-19. Review status: no classification provided. Collection method: reference population. Allele origin: germline. Not counted in ClinVar's aggregate classification.
Comment: Please see associated publication for description of ethnicities

Literature cited by the submitters: PubMed 24728327 (cited by ITMI).